The following is an entry in ClinVar:

ClinVar aggregate classification (germline): Likely benign (1 of 4 stars; one submission).

Conditions:
Malignant hyperthermia, susceptibility to, 1 (MHS1). Also called: Anesthesia related hyperthermia; Malignant hyperpyrexia; Fulminating hyperpyrexia; Pharmacogenic myopathy; Malignant hyperthermia suceptibility 1; RYR1-Related Malignant Hyperthermia Susceptibility. Identifiers: Orphanet 423, MedGen C2930980, MONDO:0007783, OMIM 145600.

gnomAD v4.1: 2 of 1,611,592 alleles (0.00012%); highest among the groups gnomAD compares: African/African-American, 0.0013%; no homozygotes.

Submission:

All of Us Research Program, National Institutes of Health
Classification: Likely benign for Malignant hyperthermia, susceptibility to, 1. Last evaluated: 2024-07-10. Review status: criteria provided, single submitter. Criteria: ACMG Guidelines, 2015. Collection method: clinical testing. Allele origin: germline. Inheritance: Autosomal dominant inheritance. Observed: 1 variant allele, 1 heterozygote.
Comment: This study involves interpretation of variants in research participants for the purpose of population health screening. Participant phenotype was not available at the time of variant classification. Additional details can be found in publication PMID: 35346344, PMCID: PMC8962531

NM_000540.3(RYR1):c.7665C>T (p.Cys2555=)

Gene: RYR1 (ryanodine receptor 1; plus strand). Cytogenetic location: 19q13.2.
Variant type: single nucleotide variant.
Coding change: c.7665C>T on transcript NM_000540.3 (MANE Select); coding-DNA position 7665, C replaced by T.
Protein change: p.Cys2555=; no amino-acid change (cysteine 2555 retained).
Molecular consequence: synonymous variant.
Genome position (GRCh38, 1-based): chr19:38,502,557, C>T. VCF-style: chr19-38502557-C-T. GRCh37 (hg19) VCF-style: chr19-38993197-C-T.
Other names: c.7665C>T, p.Cys2555= (NM_001042723.2).
Identifiers: ClinVar variation 3385450 (VCV003385450.1).
Genomic context (GRCh38, chr19:38,502,557, plus strand): 5'-TGCGCCCTAGGCCACTTTCAGCACCACCGAGATGGCGCTGGCGCTGAACCGCTACCTGTG[C>T]CTGGCCGTGCTGCCGCTCATCACCAAGTGTGCGCCGCTCTTTGCGGGCACAGAACACCGC-3'
Protein context (NP_000531.2, residues 2545-2565): EMALALNRYL[Cys2555=]LAVLPLITKC